The following is an entry in ClinVar:

ClinVar aggregate classification (germline): Uncertain significance (1 of 4 stars; one submission).

Conditions:
Hereditary cancer-predisposing syndrome. Also called: Neoplastic Syndromes, Hereditary; Tumor predisposition; Hereditary Cancer Syndrome; Hereditary neoplastic syndrome. Identifiers: Orphanet 140162, MedGen C0027672, MeSH D009386, MONDO:0015356.

Submission:

Ambry Genetics
Classification: Uncertain significance for Hereditary cancer-predisposing syndrome. Last evaluated: 2022-09-28. Review status: criteria provided, single submitter. Criteria: Ambry Variant Classification Scheme 2023. Collection method: clinical testing. Allele origin: germline.
Comment: The p.Y1102N variant (also known as c.3304T>A), located in coding exon 15 of the APC gene, results from a T to A substitution at nucleotide position 3304. The tyrosine at codon 1102 is replaced by asparagine, an amino acid with dissimilar properties. This amino acid position is conserved. In addition, in silico predictors for this gene do not accurately predict pathogenicity. Since supporting evidence is limited at this time, the clinical significance of this alteration remains unclear.

NM_000038.6(APC):c.3304T>A (p.Tyr1102Asn)

Gene: APC (APC regulator of Wnt signaling pathway; plus strand). Cytogenetic location: 5q22.2.
Variant type: single nucleotide variant.
Coding change: c.3304T>A on transcript NM_000038.6 (MANE Select); coding-DNA position 3304, T replaced by A.
Protein change: p.Tyr1102Asn; replaces tyrosine 1102 with asparagine.
Molecular consequence: missense variant.
Genome position (GRCh38, 1-based): chr5:112,838,898, T>A. VCF-style: chr5-112838898-T-A. GRCh37 (hg19) VCF-style: chr5-112174595-T-A.
Other names: c.3304T>A, p.Tyr1102Asn (NM_001127510.3, NM_001354895.2, NM_001407450.1); c.3250T>A, p.Tyr1084Asn (NM_001127511.3); c.3358T>A, p.Tyr1120Asn (NM_001354896.2, NM_001407447.1, NM_001407448.1 and 1 more transcripts); c.3334T>A, p.Tyr1112Asn (NM_001354897.2); c.3229T>A, p.Tyr1077Asn (NM_001354898.2); c.3220T>A, p.Tyr1074Asn (NM_001354899.2); c.3181T>A, p.Tyr1061Asn (NM_001354900.2); c.3127T>A, p.Tyr1043Asn (NM_001354901.2, NM_001407453.1); and 11 more; short protein forms Y1077N, Y1095N, Y1112N, Y1120N, Y976N, Y1019N, Y1061N, Y819N.
Identifiers: ClinVar variation 1730016 (VCV001730016.2), dbSNP rs2149889142, ClinGen allele CA16028585.